The following is an entry in ClinVar:

ClinVar aggregate classification (germline): Conflicting classifications of pathogenicity. Review status: criteria provided, conflicting classifications (1 of 4 stars). 3 submissions from 3 submitters: Uncertain significance (1); Likely benign (2). Last evaluated 2025-12-24.

Conditions:
Inborn genetic diseases. Identifiers: MedGen C0950123, MeSH D030342.
CSGALNACT1-related disorder. Also called: CSGALNACT1-related condition.

Allele frequency attached by ClinVar (database versions not stated): gnomAD 0.00001; 1000 Genomes Project 30x 0.00156; 1000 Genomes Project 0.00180.
gnomAD v4.1: 397 of 1,614,030 alleles (0.025%); highest among the groups gnomAD compares: South Asian, 0.4%; 4 homozygotes.

Submissions (3):

Labcorp Genetics (formerly Invitae), Labcorp
Classification: Likely benign. Last evaluated: 2025-12-24. Review status: criteria provided, single submitter. Criteria: Invitae Variant Classification Sherloc (09022015). Collection method: clinical testing. Allele origin: germline.

PreventionGenetics, part of Exact Sciences
Classification: Likely benign for CSGALNACT1-related condition. Last evaluated: 2025-12-08. Review status: criteria provided, single submitter. Criteria: ACMG Guidelines, 2015. Collection method: clinical testing. Allele origin: germline.
Comment: This variant is classified as likely benign based on ACMG/AMP sequence variant interpretation guidelines (Richards et al. 2015 PMID: 25741868, with internal and published modifications).

Ambry Genetics
Classification: Uncertain significance for Inborn genetic diseases. Last evaluated: 2024-07-05. Review status: criteria provided, single submitter. Criteria: Ambry Variant Classification Scheme 2023. Collection method: clinical testing. Allele origin: germline.

NM_001354483.2(CSGALNACT1):c.932G>A (p.Gly311Glu)

Gene: CSGALNACT1 (chondroitin sulfate N-acetylgalactosaminyltransferase 1; minus strand). Cytogenetic location: 8p21.3.
Variant type: single nucleotide variant.
Coding change: c.932G>A on transcript NM_001354483.2 (MANE Select); coding-DNA position 932, G replaced by A.
Protein change: p.Gly311Glu; replaces glycine 311 with glutamic acid.
Molecular consequence: missense variant. On other transcripts: non-coding transcript variant (7).
Genome position (GRCh38, 1-based): chr8:19,439,851, C>T on the plus strand (G>A on the coding strand, the complement: CSGALNACT1 is on the minus strand). VCF-style: chr8-19439851-C-T. GRCh37 (hg19) VCF-style: chr8-19297362-C-T.
Other names: c.932G>A, p.Gly311Glu (NM_001130518.2, NM_001354475.2, NM_001354476.2 and 18 more transcripts); c.932G>A (NM_001130518.1); short protein forms G311E.
Identifiers: ClinVar variation 1558535 (VCV001558535.10), dbSNP rs143971943, ClinGen allele CA4653973.